The following is an entry in ClinVar:

NM_006035.4(CDC42BPB):c.-1C>T

Gene: CDC42BPB (CDC42 binding protein kinase beta; minus strand). Cytogenetic location: 14q32.32.
Variant type: single nucleotide variant.
Coding change: c.-1C>T on transcript NM_006035.4 (MANE Select); 1 bases upstream of the start codon, C replaced by T.
Molecular consequence: 5 prime UTR variant.
Genome position (GRCh38, 1-based): chr14:103,057,174, G>A on the plus strand (C>T on the coding strand, the complement: CDC42BPB is on the minus strand). VCF-style: chr14-103057174-G-A. GRCh37 (hg19) VCF-style: chr14-103523511-G-A.
Other names: c.-1C>T (NM_001411054.1).
Identifiers: ClinVar variation 3898330 (VCV003898330.7).

ClinVar aggregate classification (germline): Likely benign (1 of 4 stars; one submission).

gnomAD v4.1: 28 of 1,426,626 alleles (0.002%); highest among the groups gnomAD compares: Middle Eastern, 0.087%; no homozygotes.

Submission:

CeGaT Center for Human Genetics Tuebingen
Classification: Likely benign. Last evaluated: 2025-04-01. Review status: criteria provided, single submitter. Criteria: CeGaT Center For Human Genetics Tuebingen Variant Classification Criteria Version 2. Collection method: clinical testing. Allele origin: germline. Affected: yes. Observed: 1 variant allele.
Comment: CDC42BPB: BP4